The following is an entry in ClinVar:

ClinVar aggregate classification (germline): Likely benign (1 of 4 stars; one submission).

Allele frequency attached by ClinVar (database versions not stated): ExAC 0.00071; gnomAD 0.00206; 1000 Genomes Project 0.00260; 1000 Genomes Project 30x 0.00265; ESP Exome Variant Server 0.00284.
gnomAD v4.1: 595 of 1,614,104 alleles (0.037%); highest among the groups gnomAD compares: African/African-American, 0.7%; 3 homozygotes.

Submission:

CeGaT Center for Human Genetics Tuebingen
Classification: Likely benign. Last evaluated: 2023-03-01. Review status: criteria provided, single submitter. Criteria: CeGaT Center For Human Genetics Tuebingen Variant Classification Criteria Version 2. Collection method: clinical testing. Allele origin: germline. Affected: yes. Observed: 2 variant alleles.
Comment: ATP10A: BP4, BP7, BS2

NM_024490.4(ATP10A):c.3382C>T (p.Leu1128=)

Gene: ATP10A (ATPase phospholipid transporting 10A (putative); minus strand). Cytogenetic location: 15q12.
Variant type: single nucleotide variant.
Coding change: c.3382C>T on transcript NM_024490.4 (MANE Select); coding-DNA position 3382, C replaced by T.
Protein change: p.Leu1128=; no amino-acid change (leucine 1128 retained).
Molecular consequence: synonymous variant.
Genome position (GRCh38, 1-based): chr15:25,683,396, G>A on the plus strand (C>T on the coding strand, the complement: ATP10A is on the minus strand). VCF-style: chr15-25683396-G-A. GRCh37 (hg19) VCF-style: chr15-25928543-G-A.
Identifiers: ClinVar variation 2645016 (VCV002645016.24), dbSNP rs76678653, ClinGen allele CA7436139.